The following is an entry in ClinVar:

ClinVar aggregate classification (germline): Uncertain significance (1 of 4 stars; one submission).

Conditions:
Isolated microphthalmia 5. Also called: Posterior Microphthalmia with Retinitis Pigmentosa, Foveoschisis, and Optic Disc Drusen. Identifiers: Orphanet 251279, MedGen C1970236, MONDO:0012605, OMIM 611040.

Allele frequency attached by ClinVar (database versions not stated): gnomAD exomes below 0.00001.
gnomAD v4.1: 1 of 1,613,094 alleles (0.000062%); highest among the groups gnomAD compares: Non-Finnish European, 0.000085%; no homozygotes.

Submission:

Labcorp Genetics (formerly Invitae), Labcorp
Classification: Uncertain significance for Isolated microphthalmia 5. Last evaluated: 2022-07-18. Review status: criteria provided, single submitter. Criteria: Invitae Variant Classification Sherloc (09022015). Collection method: clinical testing. Allele origin: germline.
Comment: In summary, the available evidence is currently insufficient to determine the role of this variant in disease. Therefore, it has been classified as a Variant of Uncertain Significance. Algorithms developed to predict the effect of sequence changes on RNA splicing suggest that this variant may disrupt the consensus splice site. ClinVar contains an entry for this variant (Variation ID: 1485878). This variant has not been reported in the literature in individuals affected with MFRP-related conditions. This variant is not present in population databases (gnomAD no frequency). This sequence change affects codon 462 of the MFRP mRNA. It is a 'silent' change, meaning that it does not change the encoded amino acid sequence of the MFRP protein. It affects a nucleotide within the consensus splice site.

NM_031433.4(MFRP):c.1386A>T (p.Pro462=)

Genes: C1QTNF5 (C1q and TNF related 5; minus strand), MFRP (membrane frizzled-related protein; minus strand). Cytogenetic location: 11q23.3.
Variant type: single nucleotide variant.
Coding change: c.1386A>T on transcript NM_031433.4 (MANE Select); coding-DNA position 1386, A replaced by T.
Protein change: p.Pro462=; no amino-acid change (proline 462 retained).
Molecular consequence: synonymous variant. On other transcripts: 5 prime UTR variant (1).
Genome position (GRCh38, 1-based): chr11:119,342,597, T>A on the plus strand (A>T on the coding strand, the complement: MFRP is on the minus strand). VCF-style: chr11-119342597-T-A. GRCh37 (hg19) VCF-style: chr11-119213307-T-A.
Other names: c.-1251A>T (NM_015645.5).
Identifiers: ClinVar variation 1485878 (VCV001485878.7), dbSNP rs2135368869, ClinGen allele CA382972944.
Genomic context (GRCh38, chr11:119,342,597, plus strand): 5'-TAGGGTTCTGTGAGGTGGGCACCCAGCCTGCTCAGGGTCCCCAGGGGCAGGCTTCTCACC[T>A]GGGGGTGGGAACAAGGGGCCGCTGCAGTTGTCATCGCTGCCATCGGTGCAGTCTCTCCAC-3'
Protein context (NP_113621.1, residues 452-472): DNCSGPLFPP[Pro462=]ELACEPVQVE